The following is an entry in ClinVar:

NM_002900.3(RBP3):c.670G>A (p.Asp224Asn)

Gene: RBP3 (retinol binding protein 3; plus strand). Cytogenetic location: 10q11.22.
Variant type: single nucleotide variant.
Coding change: c.670G>A on transcript NM_002900.3 (MANE Select); coding-DNA position 670, G replaced by A.
Protein change: p.Asp224Asn; replaces aspartic acid 224 with asparagine.
Molecular consequence: missense variant.
Genome position (GRCh38, 1-based): chr10:47,349,154, G>A. VCF-style: chr10-47349154-G-A. GRCh37 (hg19) VCF-style: chr10-48390208-C-T.
Other names: c.670G>A (NM_002900.2); short protein forms D224N.
Identifiers: ClinVar variation 1046477 (VCV001046477.10), dbSNP rs1432897923, ClinGen allele CA376665941.
Genomic context (GRCh38, chr10:47,349,154, plus strand): 5'-TCCAACACCACCACGGAGATCTGGACCTTGCCCCAGGTCCTGGGAGAAAGGTACGGTGCC[G>A]ACAAGGATGTGGTGGTCCTCACCAGCAGCCAGACCAGGGGCGTGGCCGAGGACATCGCGC-3'
Protein context (NP_002891.1, residues 214-234): PQVLGERYGA[Asp224Asn]KDVVVLTSSQ

ClinVar aggregate classification (germline): Uncertain significance. Review status: criteria provided, multiple submitters, no conflicts (2 of 4 stars). 2 submissions from 2 submitters: Uncertain significance (2). Last evaluated 2024-12-25.

Conditions:
Inborn genetic diseases. Identifiers: MedGen C0950123, MeSH D030342.

gnomAD v4.1: 2 of 1,613,770 alleles (0.00012%); highest among the groups gnomAD compares: Admixed American, 0.0033%; no homozygotes.

Submissions (2):

Ambry Genetics
Classification: Uncertain significance for Inborn genetic diseases. Last evaluated: 2024-12-25. Review status: criteria provided, single submitter. Criteria: Ambry Variant Classification Scheme 2023. Collection method: clinical testing. Allele origin: germline.

Labcorp Genetics (formerly Invitae), Labcorp
Classification: Uncertain significance. Last evaluated: 2020-01-27. Review status: criteria provided, single submitter. Criteria: Invitae Variant Classification Sherloc (09022015). Collection method: clinical testing. Allele origin: germline.
Comment: This variant has not been reported in the literature in individuals with RBP3-related conditions. This variant is not present in population databases (ExAC no frequency). This sequence change replaces aspartic acid with asparagine at codon 224 of the RBP3 protein (p.Asp224Asn). The aspartic acid residue is moderately conserved and there is a small physicochemical difference between aspartic acid and asparagine. Algorithms developed to predict the effect of missense changes on protein structure and function (SIFT, PolyPhen-2, Align-GVGD) all suggest that this variant is likely to be tolerated, but these predictions have not been confirmed by published functional studies and their clinical significance is uncertain. In summary, the available evidence is currently insufficient to determine the role of this variant in disease. Therefore, it has been classified as a Variant of Uncertain Significance.